The following is an entry in ClinVar:

ClinVar aggregate classification (germline): Uncertain significance (1 of 4 stars; one submission).

Submission:

GeneDx
Classification: Uncertain significance. Last evaluated: 2024-08-02. Review status: criteria provided, single submitter. Criteria: GeneDx Variant Classification Process June 2021. Collection method: clinical testing. Allele origin: germline. Affected: yes.
Comment: Not observed at significant frequency in large population cohorts (gnomAD); In silico analysis indicates that this missense variant does not alter protein structure/function; Has not been previously published as pathogenic or benign to our knowledge

NM_004187.5(KDM5C):c.4406G>A (p.Gly1469Asp)

Gene: KDM5C (lysine demethylase 5C; minus strand). Cytogenetic location: Xp11.22.
Variant type: single nucleotide variant.
Coding change: c.4406G>A on transcript NM_004187.5 (MANE Select); coding-DNA position 4406, G replaced by A.
Protein change: p.Gly1469Asp; replaces glycine 1469 with aspartic acid.
Molecular consequence: missense variant. On other transcripts: intron variant (5).
Genome position (GRCh38, 1-based): chrX:53,193,244, C>T on the plus strand (G>A on the coding strand, the complement: KDM5C is on the minus strand). VCF-style: chrX-53193244-C-T. GRCh37 (hg19) VCF-style: chrX-53222426-C-T.
Other names: c.4403G>A, p.Gly1468Asp (NM_001282622.3); c.4397G>A, p.Gly1466Asp (NM_001353978.3); c.4305+193G>A (NM_001353982.2); c.4314+193G>A (NM_001353979.2); c.4308+193G>A (NM_001353981.2, NM_001353984.2); c.4046+254G>A (NM_001146702.2); short protein forms G1466D, G1468D, G1469D.
Identifiers: ClinVar variation 3602152 (VCV003602152.1).
Genomic context (GRCh38, chrX:53,193,244, plus strand): 5'-GCCTCTGGCCCTGAGCTCCGTACCCTCTTTGGCTCTAGCTCCTCTCGGGCTGGGTCATCG[C>T]CCTCCCCACCCCGATCCACCTTCCGCCGCCGCCGCCTCTCCAGGGCCCGGCCCCGAGCCC-3'
Protein context (NP_004178.2, residues 1459-1479): RRRKVDRGGE[Gly1469Asp]DDPAREELEP